The following is an entry in ClinVar:

ClinVar aggregate classification (germline): Likely benign (1 of 4 stars; one submission).

gnomAD v4.1: 2 of 1,613,386 alleles (0.00012%); highest among the groups gnomAD compares: Non-Finnish European, 0.00017%; no homozygotes.

Submission:

CeGaT Center for Human Genetics Tuebingen
Classification: Likely benign. Last evaluated: 2022-07-01. Review status: criteria provided, single submitter. Criteria: CeGaT Center For Human Genetics Tuebingen Variant Classification Criteria Version 2. Collection method: clinical testing. Allele origin: germline. Affected: yes. Observed: 1 variant allele.
Comment: COL19A1: PM2:Supporting, BP4, BP7

NM_001858.6(COL19A1):c.2862T>C (p.Asp954=)

Gene: COL19A1 (collagen type XIX alpha 1 chain; plus strand). Cytogenetic location: 6q13.
Variant type: single nucleotide variant.
Coding change: c.2862T>C on transcript NM_001858.6 (MANE Select); coding-DNA position 2862, T replaced by C.
Protein change: p.Asp954=; no amino-acid change (aspartic acid 954 retained).
Molecular consequence: synonymous variant.
Genome position (GRCh38, 1-based): chr6:70,188,080, T>C. VCF-style: chr6-70188080-T-C. GRCh37 (hg19) VCF-style: chr6-70897784-T-C.
Identifiers: ClinVar variation 2656687 (VCV002656687.24), dbSNP rs2482993766, ClinGen allele CA450719426.